The following is an entry in ClinVar:

NM_001243133.2(NLRP3):c.2151-7T>C

Gene: NLRP3 (NLR family pyrin domain containing 3; plus strand). Cytogenetic location: 1q44.
Variant type: single nucleotide variant.
Coding change: c.2151-7T>C on transcript NM_001243133.2 (MANE Select); 7 bases into the intron before coding-DNA position 2151, T replaced by C.
Molecular consequence: intron variant.
Genome position (GRCh38, 1-based): chr1:247,429,578, T>C. VCF-style: chr1-247429578-T-C. GRCh37 (hg19) VCF-style: chr1-247592880-T-C.
Other names: p.?; c.2157-7T>C (NM_004895.5); c.2151-7T>C (NM_001127461.3, NM_001079821.3); c.2150+3979T>C (NM_001127462.3, NM_183395.3).
Identifiers: ClinVar variation 245595 (VCV000245595.17), dbSNP rs116546330, ClinGen allele CA1495147.
Genomic context (GRCh38, chr1:247,429,578, plus strand): 5'-CCCCAGCTCCAGTTAGTTATTATTCGAGGCTGATTTCTTTTCTGTCTGTCTTCCTTCTAA[T>C]TCCTAGATTGGTGAACAGCCACCTCACTTCCAGTTTTTGCCGGGGCCTCTTTTCAGTTCT-3'

ClinVar aggregate classification (germline): Benign/Likely benign. Review status: criteria provided, multiple submitters, no conflicts (2 of 4 stars). 7 submissions from 7 submitters: Benign (3); Likely benign (3). 1 of the submissions does not count toward it. Last evaluated 2026-01-23.

Conditions:
Cryopyrin associated periodic syndrome (CAPS). Identifiers: Orphanet 208650, MedGen C2316212, MONDO:0016168.
NLRP3-related disorder. Also called: NLRP3-related condition; NLRP3-Related Disorders.
Familial amyloid nephropathy with urticaria AND deafness (MWS). Also called: UDA SYNDROME; URTICARIA-DEAFNESS-AMYLOIDOSIS SYNDROME; MUCKLE-WELLS SYNDROME; Urticaria, deafness and amyloidosis; CRYOPYRIN-ASSOCIATED PERIODIC SYNDROME 2. Identifiers: Orphanet 575, MedGen C0268390, MONDO:0008633, OMIM 191900.
Familial cold autoinflammatory syndrome 1 (FCAS1). Also called: CRYOPYRIN-ASSOCIATED PERIODIC SYNDROME 1; Familial cold inflammatory syndrome 1. Identifiers: Orphanet 47045, MedGen C4551895, MONDO:0007349, OMIM 120100.
Hearing loss, autosomal dominant 34, with or without inflammation. Also called: DEAFNESS, AUTOSOMAL DOMINANT 34, WITH OR WITHOUT INFLAMMATION. Identifiers: MedGen C4521680, MONDO:0033261, OMIM 617772.
Chronic infantile neurological, cutaneous and articular syndrome (CINCA). Also called: CINCA syndrome; Prieur Griscelli syndrome; CRYOPYRIN-ASSOCIATED PERIODIC SYNDROME 3; CHRONIC NEUROLOGIC CUTANEOUS AND ARTICULAR SYNDROME. Identifiers: Orphanet 1451, MedGen C0409818, MONDO:0011776, OMIM 607115.
Keratitis fugax hereditaria. Also called: KERATOENDOTHELIITIS FUGAX HEREDITARIA. Identifiers: Orphanet 647815, MedGen C1835697, MONDO:0007849, OMIM 148200.

Allele frequency attached by ClinVar (database versions not stated): gnomAD exomes 0.00008 and 0.00024; ExAC 0.00034; gnomAD 0.00080 and 0.00084; TOPMed 0.00095; ESP Exome Variant Server 0.00115; 1000 Genomes Project 30x 0.00187; 1000 Genomes Project 0.00200.
gnomAD v4.1: 243 of 1,614,128 alleles (0.015%); highest among the groups gnomAD compares: African/African-American, 0.29%; no homozygotes.

Submissions (7):

Women's Health and Genetics/Laboratory Corporation of America, LabCorp
Classification: Benign. Last evaluated: 2026-01-23. Review status: criteria provided, single submitter. Criteria: LabCorp Variant Classification Summary - May 2015. Collection method: clinical testing. Allele origin: germline.

Labcorp Genetics (formerly Invitae), Labcorp
Classification: Benign for Cryopyrin associated periodic syndrome. Last evaluated: 2026-01-07. Review status: criteria provided, single submitter. Criteria: Invitae Variant Classification Sherloc (09022015). Collection method: clinical testing. Allele origin: germline.

Mayo Clinic Laboratories, Mayo Clinic
Classification: Likely benign. Last evaluated: 2025-05-29. Review status: criteria provided, single submitter. Criteria: ACMG Guidelines, 2015. Collection method: clinical testing. Allele origin: germline. Observed: 2 variant alleles.
Comment: BS1, BP4, BP7

Blueprint Genetics
Classification: Likely benign. Last evaluated: 2024-01-23. Review status: criteria provided, single submitter. Criteria: ACMG Guidelines, 2015. Collection method: clinical testing. Allele origin: germline.

Fulgent Genetics
Classification: Likely benign for Familial cold autoinflammatory syndrome 1; Keratitis fugax hereditaria; Familial amyloid nephropathy with urticaria AND deafness; Chronic infantile neurological, cutaneous and articular syndrome; Hearing loss, autosomal dominant 34, with or without inflammation. Last evaluated: 2021-09-16. Review status: criteria provided, single submitter. Criteria: ACMG Guidelines, 2015. Collection method: clinical testing. Allele origin: unknown.

GeneDx
Classification: Benign. Last evaluated: 2015-04-29. Review status: criteria provided, single submitter. Criteria: GeneDx Variant Classification (06012015). Collection method: clinical testing. Allele origin: germline. Affected: yes.
Comment: This variant is considered likely benign or benign based on one or more of the following criteria: it is a conservative change, it occurs at a poorly conserved position in the protein, it is predicted to be benign by multiple in silico algorithms, and/or has population frequency not consistent with disease.

PreventionGenetics, part of Exact Sciences
Classification: Likely benign for NLRP3-related condition. Last evaluated: 2019-09-23. Review status: no assertion criteria provided. Collection method: clinical testing. Allele origin: germline. Not counted in ClinVar's aggregate classification.
Comment: This variant is classified as likely benign based on ACMG/AMP sequence variant interpretation guidelines (Richards et al. 2015 PMID: 25741868, with internal and published modifications).